The following is an entry in ClinVar:

NM_001382430.1(AKT1):c.254A>C (p.Glu85Ala)

Gene: AKT1 (AKT serine/threonine kinase 1; minus strand). Cytogenetic location: 14q32.33.
Variant type: single nucleotide variant.
Coding change: c.254A>C on transcript NM_001382430.1 (MANE Select); coding-DNA position 254, A replaced by C.
Protein change: p.Glu85Ala; replaces glutamic acid 85 with alanine.
Molecular consequence: missense variant.
Genome position (GRCh38, 1-based): chr14:104,776,692, T>G on the plus strand (A>C on the coding strand, the complement: AKT1 is on the minus strand). VCF-style: chr14-104776692-T-G. GRCh37 (hg19) VCF-style: chr14-105243029-T-G.
Other names: c.254A>C, p.Glu85Ala (NM_001014431.2, NM_001014432.2, NM_001382431.1 and 3 more transcripts); short protein forms E85A.
Identifiers: ClinVar variation 1792918 (VCV001792918.2), dbSNP rs2140930016, ClinGen allele CA391220680.

ClinVar aggregate classification (germline): Uncertain significance (1 of 4 stars; one submission).

Conditions:
Inborn genetic diseases. Identifiers: MedGen C0950123, MeSH D030342.

Submission:

Ambry Genetics
Classification: Uncertain significance for Inborn genetic diseases. Last evaluated: 2021-09-04. Review status: criteria provided, single submitter. Criteria: Ambry Variant Classification Scheme 2023. Collection method: clinical testing. Allele origin: germline.
Comment: The p.E85A variant (also known as c.254A>C), located in coding exon 3 of the AKT1 gene, results from an A to C substitution at nucleotide position 254. The glutamic acid at codon 85 is replaced by alanine, an amino acid with dissimilar properties. This amino acid position is conserved. In addition, the in silico prediction for this alteration is inconclusive. Since supporting evidence is limited at this time, the clinical significance of this alteration remains unclear.